The following is an entry in ClinVar:

ClinVar aggregate classification (germline): Uncertain significance (1 of 4 stars; one submission).

Conditions:
Inborn genetic diseases. Identifiers: MedGen C0950123, MeSH D030342.

Allele frequency attached by ClinVar (database versions not stated): TOPMed below 0.00001; gnomAD exomes 0.00001.
gnomAD v4.1: 4 of 1,614,068 alleles (0.00025%); highest among the groups gnomAD compares: Middle Eastern, 0.016%; no homozygotes.

Submission:

Ambry Genetics
Classification: Uncertain significance for Inborn genetic diseases. Last evaluated: 2021-12-14. Review status: criteria provided, single submitter. Criteria: Ambry Variant Classification Scheme 2023. Collection method: clinical testing. Allele origin: germline.
Comment: The p.V53A variant (also known as c.158T>C), located in coding exon 2 of the GSN gene, results from a T to C substitution at nucleotide position 158. The valine at codon 53 is replaced by alanine, an amino acid with similar properties. This amino acid position is conserved. In addition, this alteration is predicted to be tolerated by in silico analysis. Since supporting evidence is limited at this time, the clinical significance of this alteration remains unclear.

NM_198252.3(GSN):c.5T>C (p.Val2Ala)

Gene: GSN (gelsolin; plus strand). Cytogenetic location: 9q33.2.
Variant type: single nucleotide variant.
Coding change: c.5T>C on transcript NM_198252.3 (MANE Select); coding-DNA position 5, T replaced by C.
Protein change: p.Val2Ala; replaces valine 2 with alanine.
Molecular consequence: missense variant. On other transcripts: intron variant (1).
Genome position (GRCh38, 1-based): chr9:121,301,976, T>C. VCF-style: chr9-121301976-T-C. GRCh37 (hg19) VCF-style: chr9-124064254-T-C.
Other names: c.158T>C, p.Val53Ala (NM_000177.5); c.5T>C, p.Val2Ala (NM_001127662.2, NM_001127664.2, NM_001127665.2 and 10 more transcripts); c.113T>C, p.Val38Ala (NM_001127663.2); c.38T>C, p.Val13Ala (NM_001127666.2, NM_001127667.2, NM_001353063.2 and 13 more transcripts); c.56T>C, p.Val19Ala (NM_001258029.2); c.29T>C, p.Val10Ala (NM_001258030.2); c.77T>C, p.Val26Ala (NM_001353076.2); c.-458-935T>C (NM_001353078.2); short protein forms V10A, V19A, V26A, V38A, V13A, V53A, V2A.
Identifiers: ClinVar variation 1775894 (VCV001775894.2), dbSNP rs2059920388, ClinGen allele CA374730707.